The following is an entry in ClinVar:

ClinVar aggregate classification (germline): Uncertain significance (1 of 4 stars; one submission).

Conditions:
Wilson disease (WND). Also called: Wilson's disease. Identifiers: Orphanet 905, MedGen C0019202, MONDO:0010200, OMIM 277900. Disease mechanism: loss of function.

gnomAD v4.1: 12 of 1,613,686 alleles (0.00074%); highest among the groups gnomAD compares: South Asian, 0.0088%; no homozygotes.

Submission:

All of Us Research Program, National Institutes of Health
Classification: Uncertain significance for Wilson disease. Last evaluated: 2023-04-03. Review status: criteria provided, single submitter. Criteria: ACMG Guidelines, 2015. Collection method: clinical testing. Allele origin: germline. Inheritance: Autosomal recessive inheritance. Observed: 1 variant allele, 1 heterozygote.
Comment: This missense variant replaces serine with glycine at codon 657 of the ATP7B protein. Computational prediction suggests that this variant may have deleterious impact on protein structure and function (internally defined REVEL score threshold >= 0.7, PMID: 27666373). To our knowledge, functional studies have not been reported for this variant. This variant has not been reported in individuals affected with ATP7B-related disorders in the literature. This variant has been identified in 1/249120 chromosomes in the general population by the Genome Aggregation Database (gnomAD). The available evidence is insufficient to determine the role of this variant in disease conclusively. Therefore, this variant is classified as a Variant of Uncertain Significance.

This study involves interpretation of variants in research participants for the purpose of population health screening. Participant phenotype was not available at the time of variant classification. Additional details can be found in publication PMID: 35346344, PMCID: PMC8962531

NM_000053.4(ATP7B):c.1969A>G (p.Ser657Gly)

Gene: ATP7B (ATPase copper transporting beta; minus strand). Cytogenetic location: 13q14.3.
Variant type: single nucleotide variant.
Coding change: c.1969A>G on transcript NM_000053.4 (MANE Select); coding-DNA position 1969, A replaced by G.
Protein change: p.Ser657Gly; replaces serine 657 with glycine.
Molecular consequence: missense variant. On other transcripts: intron variant (13).
Genome position (GRCh38, 1-based): chr13:51,960,300, T>C on the plus strand (A>G on the coding strand, the complement: ATP7B is on the minus strand). VCF-style: chr13-51960300-T-C. GRCh37 (hg19) VCF-style: chr13-52534436-T-C.
Other names: c.1969A>G, p.Ser657Gly (NM_001406512.1, NM_001406513.1, NM_001406515.1 and 16 more transcripts); c.1936A>G, p.Ser646Gly (NM_001406514.1, NM_001406524.1); c.1873A>G, p.Ser625Gly (NM_001406517.1, NM_001406518.1, NM_001406530.1 and 1 more transcripts); c.1708-2693A>G (NM_001406547.1, NM_001406545.1); c.1870-2693A>G (NM_001005918.3, NM_001406546.1, NM_001406542.1 and 1 more transcripts); c.1870-1756A>G (NM_001406540.1, NM_001330579.2, NM_001406531.1 and 1 more transcripts); c.1774-2693A>G (NM_001406544.1); c.1636A>G, p.Ser546Gly (NM_001243182.2); and 3 more; short protein forms S514G, S546G, S625G, S646G, S657G.
Identifiers: ClinVar variation 3070130 (VCV003070130.1), dbSNP rs372436901, ClinGen allele CA6989143.
Genomic context (GRCh38, chr13:51,960,300, plus strand): 5'-CGTTGCTGGGTATCAGCATATAGATCATTAAGGCCATGACAGGGATGCCAAACACCAGGC[T>C]GCACAGGAAAGACTTCTTCCACCTGGAAAGCAAATGCAGCAACACAGATATATCAGATGC-3'
Protein context (NP_000044.2, residues 647-667): IKQWKKSFLC[Ser657Gly]LVFGIPVMAL